The following is an entry in ClinVar:

ClinVar aggregate classification (germline): Pathogenic (1 of 4 stars; one submission).

Conditions:
Gnathodiaphyseal dysplasia (GDD). Also called: GNATHODIAPHYSEAL SCLEROSIS; OSTEOGENESIS IMPERFECTA WITH UNUSUAL SKELETAL LESIONS. Identifiers: Orphanet 53697, MedGen C1833736, MONDO:0008151, OMIM 166260.
Autosomal recessive limb-girdle muscular dystrophy type 2L (LGMDR12). Also called: MUSCULAR DYSTROPHY, LIMB-GIRDLE, AUTOSOMAL RECESSIVE 12; Limb-girdle muscular dystrophy, type 2L; Limb-Girdle Muscular Dystrophy R12 Anoctamin-5-Related (LGMD-R12). Identifiers: Orphanet 206549, MedGen C1969785, MONDO:0012652, OMIM 611307.

Submission:

Labcorp Genetics (formerly Invitae), Labcorp
Classification: Pathogenic for Autosomal recessive limb-girdle muscular dystrophy type 2L; Gnathodiaphyseal dysplasia. Last evaluated: 2022-10-21. Review status: criteria provided, single submitter. Criteria: Invitae Variant Classification Sherloc (09022015). Collection method: clinical testing. Allele origin: germline.
Comment: This sequence change creates a premature translational stop signal (p.Glu595Glyfs*14) in the ANO5 gene. It is expected to result in an absent or disrupted protein product. Loss-of-function variants in ANO5 are known to be pathogenic (PMID: 21186264, 23606453, 25891276, 30919934). This variant is not present in population databases (gnomAD no frequency). This variant has not been reported in the literature in individuals affected with ANO5-related conditions. For these reasons, this variant has been classified as Pathogenic.

Literature cited by the submitters: PubMed 21186264; PubMed 23606453; PubMed 25891276; PubMed 30919934.

NM_213599.3(ANO5):c.1784del (p.Glu595fs)

Gene: ANO5 (anoctamin 5; plus strand). Cytogenetic location: 11p14.3.
Variant type: Deletion.
Coding change: c.1784del on transcript NM_213599.3 (MANE Select); coding-DNA position 1784, one base deleted (A; older notation c.1784delA).
Protein change: p.Glu595fs; shifts the reading frame from glutamic acid 595.
Molecular consequence: frameshift variant.
Genome position (GRCh38, 1-based): chr11:22,262,282, A deleted. VCF-style (leftmost placement, unchanged base first): chr11-22262281-GA-G. GRCh37 (hg19) VCF-style: chr11-22283827-GA-G.
Other names: c.1781del, p.Glu594fs (NM_001142649.2); c.1742delA, p.Glu581Glyfs (NM_001410963.1); c.1739delA, p.Glu580Glyfs (NM_001410964.1); short protein forms E594fs, E595fs.
Identifiers: ClinVar variation 2019361 (VCV002019361.4), dbSNP rs2494319408, ClinGen allele CA2580082910.